The following is an entry in ClinVar:

NM_138420.4(AHNAK2):c.3033G>A (p.Ser1011=)

Gene: AHNAK2 (AHNAK nucleoprotein 2; minus strand). Cytogenetic location: 14q32.33.
Variant type: single nucleotide variant.
Coding change: c.3033G>A on transcript NM_138420.4 (MANE Select); coding-DNA position 3033, G replaced by A.
Protein change: p.Ser1011=; no amino-acid change (serine 1011 retained).
Molecular consequence: synonymous variant.
Genome position (GRCh38, 1-based): chr14:104,952,418, C>T on the plus strand (G>A on the coding strand, the complement: AHNAK2 is on the minus strand). VCF-style: chr14-104952418-C-T. GRCh37 (hg19) VCF-style: chr14-105418755-C-T.
Other names: c.2733G>A, p.Ser911= (NM_001350929.2).
Identifiers: ClinVar variation 2644868 (VCV002644868.24), dbSNP rs368288854, ClinGen allele CA7383254.

ClinVar aggregate classification (germline): Likely benign (1 of 4 stars; one submission).

Allele frequency attached by ClinVar (database versions not stated): gnomAD exomes 0.00002; ESP Exome Variant Server 0.00008.

Submission:

CeGaT Center for Human Genetics Tuebingen
Classification: Likely benign. Last evaluated: 2026-04-01. Review status: criteria provided, single submitter. Criteria: CeGaT Center For Human Genetics Tuebingen Variant Classification Criteria Version 2. Collection method: clinical testing. Allele origin: germline. Affected: yes. Observed: 4 variant alleles.
Comment: AHNAK2: BP4, BP7